The following is an entry in ClinVar:

ClinVar aggregate classification (germline): Likely benign (1 of 4 stars; one submission).

Conditions:
Majeed syndrome (MJDS). Also called: CHRONIC RECURRENT MULTIFOCAL OSTEOMYELITIS 1, WITH CONGENITAL DYSERYTHROPOIETIC ANEMIA, WITH OR WITHOUT NEUTROPHILIC DERMATOSIS; LPIN2-Related Majeed Syndrome. Identifiers: Orphanet 77297, MedGen C1864997, MONDO:0012316, OMIM 609628.

Allele frequency attached by ClinVar (database versions not stated): gnomAD exomes 0.00004; TOPMed 0.00048; gnomAD 0.00055 and 0.00058; 1000 Genomes Project 0.00060; 1000 Genomes Project 30x 0.00062.
gnomAD v4.1: 119 of 939,768 alleles (0.013%); highest among the groups gnomAD compares: African/African-American, 0.17%; no homozygotes.

Submission:

Illumina Laboratory Services, Illumina
Classification: Likely benign for Majeed syndrome. Last evaluated: 2018-01-12. Review status: criteria provided, single submitter. Criteria: ICSL Variant Classification Criteria 13 December 2019. Collection method: clinical testing. Allele origin: germline.
Comment: This variant was observed in the ICSL laboratory as part of a predisposition screen in an ostensibly healthy population. It had not been previously curated by ICSL or reported in the Human Gene Mutation Database (HGMD: prior to June 1st, 2018), and was therefore a candidate for classification through an automated scoring system. Utilizing variant allele frequency, disease prevalence and penetrance estimates, and inheritance mode, an automated score was calculated to assess if this variant is too frequent to cause the disease. Based on the score and internal cut-off values, a variant classified as likely benign is not then subjected to further curation. The score for this variant resulted in a classification of likely benign for this disease.

NM_001375808.2(LPIN2):c.*158G>A

Gene: LPIN2 (lipin 2; minus strand). Cytogenetic location: 18p11.31.
Variant type: single nucleotide variant.
Coding change: c.*158G>A on transcript NM_001375808.2 (MANE Select); 158 bases downstream of the stop codon, G replaced by A.
Molecular consequence: 3 prime UTR variant.
Genome position (GRCh38, 1-based): chr18:2,920,135, C>T on the plus strand (G>A on the coding strand, the complement: LPIN2 is on the minus strand). VCF-style: chr18-2920135-C-T. GRCh37 (hg19) VCF-style: chr18-2920133-C-T.
Other names: c.*158G>A (NM_001375809.1, NM_014646.2).
Identifiers: ClinVar variation 326628 (VCV000326628.5), dbSNP rs547872442, ClinGen allele CA10641270.